The following is an entry in ClinVar:

NM_005918.4(MDH2):c.440C>T (p.Thr147Ile)

Gene: MDH2 (malate dehydrogenase 2; plus strand). Cytogenetic location: 7q11.23.
Variant type: single nucleotide variant.
Coding change: c.440C>T on transcript NM_005918.4 (MANE Select); coding-DNA position 440, C replaced by T.
Protein change: p.Thr147Ile; replaces threonine 147 with isoleucine.
Molecular consequence: missense variant. On other transcripts: intron variant (1).
Genome position (GRCh38, 1-based): chr7:76,060,383, C>T. VCF-style: chr7-76060383-C-T. GRCh37 (hg19) VCF-style: chr7-75689701-C-T.
Other names: c.119C>T, p.Thr40Ile (NM_001282404.2); c.429+2305C>T (NM_001282403.2); short protein forms T147I, T40I.
Identifiers: ClinVar variation 3225193 (VCV003225193.1), dbSNP rs782658122, ClinGen allele CA367764746.

ClinVar aggregate classification (germline): Uncertain significance (1 of 4 stars; one submission).

Conditions:
Inborn genetic diseases. Identifiers: MedGen C0950123, MeSH D030342.

Submission:

Ambry Genetics
Classification: Uncertain significance for Inborn genetic diseases. Last evaluated: 2023-10-13. Review status: criteria provided, single submitter. Criteria: Ambry Variant Classification Scheme 2023. Collection method: clinical testing. Allele origin: germline.
Comment: The p.T147I variant (also known as c.440C>T), located in coding exon 5 of the MDH2 gene, results from a C to T substitution at nucleotide position 440. The threonine at codon 147 is replaced by isoleucine, an amino acid with similar properties. This amino acid position is conserved. In addition, the in silico prediction for this alteration is inconclusive. Since supporting evidence is limited at this time, the clinical significance of this alteration remains unclear.